The following is an entry in ClinVar:

ClinVar aggregate classification (germline): Benign (0 of 4 stars; one submission).

Conditions:
PTPRT-related disorder. Also called: PTPRT-related condition.

Allele frequency attached by ClinVar (database versions not stated): gnomAD exomes 0.01133; ExAC 0.02520; ESP Exome Variant Server 0.03579; gnomAD 0.03767; TOPMed 0.04265; 1000 Genomes Project 30x 0.06605; 1000 Genomes Project 0.06689.
gnomAD v4.1: 22,839 of 1,612,342 alleles (1.4%); highest among the groups gnomAD compares: East Asian, 15%; 956 homozygotes.

Submission:

PreventionGenetics, part of Exact Sciences
Classification: Benign for PTPRT-related condition. Last evaluated: 2019-02-28. Review status: no assertion criteria provided. Collection method: clinical testing. Allele origin: germline.
Comment: This variant is classified as benign based on ACMG/AMP sequence variant interpretation guidelines (Richards et al. 2015 PMID: 25741868, with internal and published modifications).

NM_007050.6(PTPRT):c.1154-10T>C

Gene: PTPRT (protein tyrosine phosphatase receptor type T; minus strand). Cytogenetic location: 20q12.
Variant type: single nucleotide variant.
Coding change: c.1154-10T>C on transcript NM_007050.6 (MANE Select); 10 bases into the intron before coding-DNA position 1154, T replaced by C.
Molecular consequence: intron variant.
Genome position (GRCh38, 1-based): chr20:42,472,572, A>G on the plus strand (T>C on the coding strand, the complement: PTPRT is on the minus strand). VCF-style: chr20-42472572-A-G. GRCh37 (hg19) VCF-style: chr20-41101212-A-G.
Other names: c.1154-10T>C (NM_001394024.1, NM_001394025.1, NM_133170.4 and 1 more transcripts).
Identifiers: ClinVar variation 3056683 (VCV003056683.2), dbSNP rs41279262, ClinGen allele CA9864644.
Genomic context (GRCh38, chr20:42,472,572, plus strand): 5'-GCCGGGCTCTGATGTCTACGATTTCCACGTTCTGTGGGCCATGTACCGGATCTGCAAAAC[A>G]TGCAGGCAAGAAACAAGGGTTCTGAAGAGACCATCGGGAAGCTGGGGTACATGTTCTGCT-3'